The following is an entry in ClinVar:

NM_000388.4(CASR):c.1898T>A (p.Val633Glu)

Gene: CASR (calcium sensing receptor; plus strand). Cytogenetic location: 3q21.1.
Variant type: single nucleotide variant.
Coding change: c.1898T>A on transcript NM_000388.4 (MANE Select); coding-DNA position 1898, T replaced by A.
Protein change: p.Val633Glu; replaces valine 633 with glutamic acid.
Molecular consequence: missense variant.
Genome position (GRCh38, 1-based): chr3:122,283,852, T>A. VCF-style: chr3-122283852-T-A. GRCh37 (hg19) VCF-style: chr3-122002699-T-A.
Other names: c.1928T>A, p.Val643Glu (NM_001178065.2); short protein forms V633E, V643E.
Identifiers: ClinVar variation 2130493 (VCV002130493.4), dbSNP rs2473276785, ClinGen allele CA354157884.
Genomic context (GRCh38, chr3:122,283,852, plus strand): 5'-GGATCGCACTCACCCTCTTTGCCGTGCTGGGCATTTTCCTGACAGCCTTTGTGCTGGGTG[T>A]GTTTATCAAGTTCCGCAACACACCCATTGTCAAGGCCACCAACCGAGAGCTCTCCTACCT-3'
Protein context (NP_000379.3, residues 623-643): GIFLTAFVLG[Val633Glu]FIKFRNTPIV

ClinVar aggregate classification (germline): Uncertain significance (1 of 4 stars; one submission).

Conditions:
Autosomal dominant hypocalcemia 1 (HYPOC1). Also called: HYPOCALCEMIA, FAMILIAL. Identifiers: MedGen C3715128, MONDO:0011013, OMIM 601198.
Familial hypocalciuric hypercalcemia (FHH). Also called: Familial benign hypercalcemia. Identifiers: Orphanet 405, MedGen C1809471, MONDO:0018458.

Submission:

Labcorp Genetics (formerly Invitae), Labcorp
Classification: Uncertain significance for Familial hypocalciuric hypercalcemia; Autosomal dominant hypocalcemia 1. Last evaluated: 2022-05-13. Review status: criteria provided, single submitter. Criteria: Invitae Variant Classification Sherloc (09022015). Collection method: clinical testing. Allele origin: germline.
Comment: This sequence change replaces valine, which is neutral and non-polar, with glutamic acid, which is acidic and polar, at codon 633 of the CASR protein (p.Val633Glu). This variant is not present in population databases (gnomAD no frequency). In summary, the available evidence is currently insufficient to determine the role of this variant in disease. Therefore, it has been classified as a Variant of Uncertain Significance. Algorithms developed to predict the effect of sequence changes on RNA splicing suggest that this variant may create or strengthen a splice site. Algorithms developed to predict the effect of missense changes on protein structure and function (SIFT, PolyPhen-2, Align-GVGD) all suggest that this variant is likely to be disruptive. This variant has not been reported in the literature in individuals affected with CASR-related conditions.